The following is an entry in ClinVar:

NM_000288.4(PEX7):c.546_547del (p.Ile182fs)

Gene: PEX7 (peroxisomal biogenesis factor 7; plus strand). Cytogenetic location: 6q23.3.
Variant type: Microsatellite.
Coding change: c.546_547del on transcript NM_000288.4 (MANE Select); coding-DNA positions 546 to 547, 2 bases deleted (AT; older notation c.546_547delAT).
Protein change: p.Ile182fs; shifts the reading frame from isoleucine 182.
Molecular consequence: frameshift variant.
Genome position (GRCh38, 1-based): chr6:136,866,646-136,866,647, AT deleted; deleting any 2 consecutive bases within chr6:136,866,644-136,866,647 gives the same sequence; the c. name uses the placement nearest the transcript's 3' end. VCF-style (leftmost placement, unchanged base first): chr6-136866643-AAT-A. GRCh37 (hg19) VCF-style: chr6-137187781-AAT-A.
Other names: short protein forms I182fs.
Identifiers: ClinVar variation 1455239 (VCV001455239.6), dbSNP rs2115216632, ClinGen allele CA2580615782.

ClinVar aggregate classification (germline): Pathogenic (1 of 4 stars; one submission).

Conditions:
Peroxisome biogenesis disorder 9B. Also called: PEX7-Related Refsum Disease; PEROXISOME BIOGENESIS DISORDER, PEX7-RELATED, ATYPICAL; Refsum disease, adult, 2. Identifiers: Orphanet 773, MedGen C2749346, MONDO:0013945, OMIM 614879.

Submission:

Labcorp Genetics (formerly Invitae), Labcorp
Classification: Pathogenic for Peroxisome biogenesis disorder 9B. Last evaluated: 2021-06-06. Review status: criteria provided, single submitter. Criteria: Invitae Variant Classification Sherloc (09022015). Collection method: clinical testing. Allele origin: germline.
Comment: For these reasons, this variant has been classified as Pathogenic. This variant has not been reported in the literature in individuals with PEX7-related conditions. This variant is not present in population databases (ExAC no frequency). This sequence change creates a premature translational stop signal (p.Ile182Metfs*23) in the PEX7 gene. It is expected to result in an absent or disrupted protein product. Loss-of-function variants in PEX7 are known to be pathogenic (PMID: 12325024, 12522768, 20301447).

Literature cited by the submitters: PubMed 12325024; PubMed 12522768; PubMed 20301447.